The following is an entry in ClinVar:

NM_031372.4(HNRNPDL):c.248C>A (p.Pro83Gln)

Gene: HNRNPDL (heterogeneous nuclear ribonucleoprotein D like; minus strand). Cytogenetic location: 4q21.22.
Variant type: single nucleotide variant.
Coding change: c.248C>A on transcript NM_031372.4 (MANE Select); coding-DNA position 248, C replaced by A.
Protein change: p.Pro83Gln; replaces proline 83 with glutamine.
Molecular consequence: missense variant. On other transcripts: non-coding transcript variant (1).
Genome position (GRCh38, 1-based): chr4:82,429,443, G>T on the plus strand (C>A on the coding strand, the complement: HNRNPDL is on the minus strand). VCF-style: chr4-82429443-G-T. GRCh37 (hg19) VCF-style: chr4-83350596-G-T.
Other names: c.248C>A, p.Pro83Gln (NM_001207000.1); short protein forms P83Q.
Identifiers: ClinVar variation 2432508 (VCV002432508.4), dbSNP rs201774571, ClinGen allele CA2985105.

ClinVar aggregate classification (germline): Uncertain significance. Review status: criteria provided, multiple submitters, no conflicts (2 of 4 stars). 2 submissions from 2 submitters: Uncertain significance (2). Last evaluated 2025-09-16.

Conditions:
Autosomal dominant limb-girdle muscular dystrophy type 1G (LGMDD3). Also called: Limb-girdle muscular dystrophy, type 1G; MUSCULAR DYSTROPHY, LIMB-GIRDLE, AUTOSOMAL DOMINANT 3. Identifiers: Orphanet 55596, MedGen C1836765, MONDO:0012193, OMIM 609115.

gnomAD v4.1: 15 of 1,609,924 alleles (0.00093%); highest among the groups gnomAD compares: African/African-American, 0.0094%; no homozygotes.

Submissions (2):

Labcorp Genetics (formerly Invitae), Labcorp
Classification: Uncertain significance for Autosomal dominant limb-girdle muscular dystrophy type 1G. Last evaluated: 2025-09-16. Review status: criteria provided, single submitter. Criteria: Invitae Variant Classification Sherloc (09022015). Collection method: clinical testing. Allele origin: germline.
Comment: This sequence change replaces proline, which is neutral and non-polar, with glutamine, which is neutral and polar, at codon 83 of the HNRNPDL protein (p.Pro83Gln). This variant is present in population databases (rs201774571, gnomAD 0.009%). This variant has not been reported in the literature in individuals affected with HNRNPDL-related conditions. ClinVar contains an entry for this variant (Variation ID: 2432508). An algorithm developed to predict the effect of missense changes on protein structure and function (PolyPhen-2) suggests that this variant is likely to be disruptive. In summary, the available evidence is currently insufficient to determine the role of this variant in disease. Therefore, it has been classified as a Variant of Uncertain Significance.

Revvity Omics, Revvity
Classification: Uncertain significance for Autosomal dominant limb-girdle muscular dystrophy type 1G. Last evaluated: 2022-01-31. Review status: criteria provided, single submitter. Criteria: ACMG Guidelines, 2015. Collection method: clinical testing. Allele origin: germline.